The following is an entry in ClinVar:

ClinVar aggregate classification (germline): Uncertain significance (1 of 4 stars; one submission).

Submission:

Labcorp Genetics (formerly Invitae), Labcorp
Classification: Uncertain significance. Last evaluated: 2025-01-05. Review status: criteria provided, single submitter. Criteria: Invitae Variant Classification Sherloc (09022015). Collection method: clinical testing. Allele origin: germline.
Comment: This sequence change replaces glycine, which is neutral and non-polar, with valine, which is neutral and non-polar, at codon 258 of the FEZF2 protein (p.Gly258Val). The frequency data for this variant in the population databases is considered unreliable, as metrics indicate poor data quality at this position in the gnomAD database. This variant has not been reported in the literature in individuals affected with FEZF2-related conditions. An algorithm developed to predict the effect of missense changes on protein structure and function outputs the following: PolyPhen-2: "Benign". The valine amino acid residue is found in multiple mammalian species, which suggests that this missense change does not adversely affect protein function. In summary, the available evidence is currently insufficient to determine the role of this variant in disease. Therefore, it has been classified as a Variant of Uncertain Significance.

NM_018008.4(FEZF2):c.773G>T (p.Gly258Val)

Gene: FEZF2 (FEZ family zinc finger 2; minus strand). Cytogenetic location: 3p14.2.
Variant type: single nucleotide variant.
Coding change: c.773G>T on transcript NM_018008.4 (MANE Select); coding-DNA position 773, G replaced by T.
Protein change: p.Gly258Val; replaces glycine 258 with valine.
Molecular consequence: missense variant.
Genome position (GRCh38, 1-based): chr3:62,372,096, C>A on the plus strand (G>T on the coding strand, the complement: FEZF2 is on the minus strand). VCF-style: chr3-62372096-C-A. GRCh37 (hg19) VCF-style: chr3-62357771-C-A.
Other names: short protein forms G258V.
Identifiers: ClinVar variation 3674740 (VCV003674740.2).